The following is an entry in ClinVar:

NM_000207.3(INS):c.*42C>T

Genes: INS-IGF2 (INS-IGF2 readthrough; minus strand), INS (insulin; minus strand). Cytogenetic location: 11p15.5.
Variant type: single nucleotide variant.
Coding change: c.*42C>T on transcript NM_000207.3 (MANE Select); 42 bases downstream of the stop codon, C replaced by T.
Molecular consequence: 3 prime UTR variant. On other transcripts: intron variant (1).
Genome position (GRCh38, 1-based): chr11:2,159,810, G>A on the plus strand (C>T on the coding strand, the complement: INS is on the minus strand). VCF-style: chr11-2159810-G-A. GRCh37 (hg19) VCF-style: chr11-2181040-G-A.
Other names: c.*42C>T (NM_001185097.2, NM_001185098.2, NM_001291897.2); c.187+975C>T (NM_001042376.3).
Identifiers: ClinVar variation 304049 (VCV000304049.6), dbSNP rs376867722, ClinGen allele CA5818105.

ClinVar aggregate classification (germline): Conflicting classifications of pathogenicity. Review status: criteria provided, conflicting classifications (1 of 4 stars). 3 submissions from 2 submitters: Uncertain significance (2); Benign (1). Last evaluated 2018-01-13.

Conditions:
Transient Neonatal Diabetes, Dominant/Recessive.
Neonatal insulin-dependent diabetes mellitus. Identifiers: MedGen C3278636, HP:0000857.
Maturity-onset diabetes of the young type 10. Identifiers: Orphanet 552, MedGen C3150617, MONDO:0013240, OMIM 613370.

Allele frequency attached by ClinVar (database versions not stated): ExAC 0.00003; TOPMed 0.00005; gnomAD 0.00006; ESP Exome Variant Server 0.00008.

Submissions (3):

Illumina Laboratory Services, Illumina
Classification: Uncertain significance for Maturity-onset diabetes of the young type 10. Last evaluated: 2018-01-13. Review status: criteria provided, single submitter. Criteria: ICSL Variant Classification Criteria 13 December 2019. Collection method: clinical testing. Allele origin: germline.

Illumina Laboratory Services, Illumina
Classification: Uncertain significance for Transient Neonatal Diabetes, Dominant/Recessive. Last evaluated: 2018-01-13. Review status: criteria provided, single submitter. Criteria: ICSL Variant Classification Criteria 13 December 2019. Collection method: clinical testing. Allele origin: germline.

Clinical Genomics, Uppaluri K&H Personalized Medicine Clinic
Classification: Benign for Neonatal insulin-dependent diabetes mellitus. Review status: criteria provided, single submitter. Criteria: K & H Uppaluri Personalized Medicine Clinic Variant Classification & Assertion Criteria_Updated V.1. Collection method: research. Allele origin: unknown.
Comment: Mutations in INS gene can cause early onset diabetes mellitus which is insulin dependent. May have poor response to sulfonylureas, as this mutation can cause beta cell destruction. However no sufficient evidence is found to ascertain the role of this particular variant rs376867722, yet.

Literature cited by the submitters: PubMed 11921414 (cited by Clinical Genomics, Uppaluri K&H Personalized Medicine Clinic); PubMed 25542748 (cited by Clinical Genomics, Uppaluri K&H Personalized Medicine Clinic); PubMed 26101329 (cited by Clinical Genomics, Uppaluri K&H Personalized Medicine Clinic); PubMed 18171712 (cited by Clinical Genomics, Uppaluri K&H Personalized Medicine Clinic).